The following is an entry in ClinVar:

NM_152594.3(SPRED1):c.473A>G (p.Gln158Arg)

Gene: SPRED1 (sprouty related EVH1 domain containing 1; plus strand). Cytogenetic location: 15q14.
Variant type: single nucleotide variant.
Coding change: c.473A>G on transcript NM_152594.3 (MANE Select); coding-DNA position 473, A replaced by G.
Protein change: p.Gln158Arg; replaces glutamine 158 with arginine.
Molecular consequence: missense variant.
Genome position (GRCh38, 1-based): chr15:38,339,786, A>G. VCF-style: chr15-38339786-A-G. GRCh37 (hg19) VCF-style: chr15-38631987-A-G.
Other names: short protein forms Q158R.
Identifiers: ClinVar variation 5030121 (VCV005030121.1).
Genomic context (GRCh38, chr15:38,339,786, plus strand): 5'-GTTCCCAATAGGCAAATGAAGAGGATTCTTCCAGTTCTCTAGTGAAGGATCACCTTTTTC[A>G]GCAAGAGACAGTTGTTACCAGTGAGCCTTATAGAAGCTCAAATATAAGACCTTCTCCCTT-3'
Protein context (NP_689807.1, residues 148-168): SSSLVKDHLF[Gln158Arg]QETVVTSEPY

ClinVar aggregate classification (germline): Uncertain significance (1 of 4 stars; one submission).

Conditions:
Cardiovascular phenotype. Identifiers: MedGen CN230736.

Submission:

Ambry Genetics
Classification: Uncertain significance for Cardiovascular phenotype. Last evaluated: 2026-07-27. Review status: criteria provided, single submitter. Criteria: Ambry Variant Classification Scheme 2023. Collection method: clinical testing. Allele origin: germline.
Comment: The p.Q158R variant (also known as c.473A>G), located in coding exon 5 of the SPRED1 gene, results from an A to G substitution at nucleotide position 473. The glutamine at codon 158 is replaced by arginine, an amino acid with highly similar properties. This amino acid position is conserved. In addition, this alteration is predicted to be tolerated by in silico analysis. Based on the available evidence, the clinical significance of this variant remains unclear.